The following is an entry in ClinVar:

NM_015175.3(NBEAL2):c.7507+6A>G

Gene: NBEAL2 (neurobeachin like 2; plus strand). Cytogenetic location: 3p21.31.
Variant type: single nucleotide variant.
Coding change: c.7507+6A>G on transcript NM_015175.3 (MANE Select); 6 bases into the intron after coding-DNA position 7507, A replaced by G.
Molecular consequence: intron variant.
Genome position (GRCh38, 1-based): chr3:47,007,703, A>G. VCF-style: chr3-47007703-A-G. GRCh37 (hg19) VCF-style: chr3-47049193-A-G.
Other names: p.?; c.7405+6A>G (NM_001365116.2).
Identifiers: ClinVar variation 260592 (VCV000260592.12), dbSNP rs74418680, ClinGen allele CA2362154.

ClinVar aggregate classification (germline): Benign/Likely benign. Review status: criteria provided, multiple submitters, no conflicts (2 of 4 stars). 7 submissions from 7 submitters: Benign (6); Likely benign (1). Last evaluated 2026-01-31.

Conditions:
Gray platelet syndrome (GPS). Also called: BLEEDING DISORDER, PLATELET-TYPE, 4. Identifiers: Orphanet 721, MedGen C0272302, MONDO:0007686, OMIM 139090.

Allele frequency attached by ClinVar (database versions not stated): ESP Exome Variant Server 0.01636; gnomAD exomes 0.02788 and 0.05941; gnomAD 0.02879 and 0.03149; TOPMed 0.04068; 1000 Genomes Project 30x 0.05387; ExAC 0.05393; 1000 Genomes Project 0.05591.
gnomAD v4.1: 45,492 of 1,608,668 alleles (2.8%); highest among the groups gnomAD compares: Admixed American, 18%; 2,046 homozygotes.

Submissions (7):

Labcorp Genetics (formerly Invitae), Labcorp
Classification: Benign. Last evaluated: 2026-01-31. Review status: criteria provided, single submitter. Criteria: Invitae Variant Classification Sherloc (09022015). Collection method: clinical testing. Allele origin: germline.

Blueprint Genetics
Classification: Likely benign. Last evaluated: 2024-11-26. Review status: criteria provided, single submitter. Criteria: ACMG Guidelines, 2015. Collection method: clinical testing. Allele origin: germline.

Mayo Clinic Laboratories, Mayo Clinic
Classification: Benign. Last evaluated: 2022-09-29. Review status: criteria provided, single submitter. Criteria: ACMG Guidelines, 2015. Collection method: clinical testing. Allele origin: germline. Observed: 42 variant alleles.

GeneDx
Classification: Benign. Last evaluated: 2021-06-09. Review status: criteria provided, single submitter. Criteria: GeneDx Variant Classification Process June 2021. Collection method: clinical testing. Allele origin: germline. Affected: yes.

Illumina Laboratory Services, Illumina
Classification: Benign for Gray platelet syndrome. Last evaluated: 2018-01-13. Review status: criteria provided, single submitter. Criteria: ICSL Variant Classification Criteria 13 December 2019. Collection method: clinical testing. Allele origin: germline.
Comment: This variant was observed in the ICSL laboratory as part of a predisposition screen in an ostensibly healthy population. It had not been previously curated by ICSL or reported in the Human Gene Mutation Database (HGMD: prior to June 1st, 2018), and was therefore a candidate for classification through an automated scoring system. Utilizing variant allele frequency, disease prevalence and penetrance estimates, and inheritance mode, an automated score was calculated to assess if this variant is too frequent to cause the disease. Based on the score and internal cut-off values, a variant classified as benign is not then subjected to further curation. The score for this variant resulted in a classification of benign for this disease.

Breakthrough Genomics
Classification: Benign. Review status: criteria provided, single submitter. Criteria: ACMG Guidelines, 2015. Collection method: not provided. Allele origin: germline. Inheritance: Autosomal recessive inheritance. Affected: yes.

PreventionGenetics, part of Exact Sciences
Classification: Benign. Review status: criteria provided, single submitter. Criteria: ACMG Guidelines, 2015. Collection method: clinical testing. Allele origin: germline.